The following is an entry in ClinVar:

ClinVar aggregate classification (germline): Uncertain significance. Review status: criteria provided, multiple submitters, no conflicts (2 of 4 stars). 2 submissions from 2 submitters: Uncertain significance (2). Last evaluated 2025-08-14.

gnomAD v4.1: 101 of 1,613,846 alleles (0.0063%); highest among the groups gnomAD compares: South Asian, 0.091%; no homozygotes.

Submissions (2):

Ambry Genetics
Classification: Uncertain significance. Last evaluated: 2025-08-14. Review status: criteria provided, single submitter. Criteria: Ambry Variant Classification Scheme 2023. Collection method: clinical testing. Allele origin: germline.

CeGaT Center for Human Genetics Tuebingen
Classification: Uncertain significance. Last evaluated: 2025-01-01. Review status: criteria provided, single submitter. Criteria: CeGaT Center For Human Genetics Tuebingen Variant Classification Criteria Version 2. Collection method: clinical testing. Allele origin: germline. Affected: yes. Observed: 1 variant allele.
Comment: SLCO1C1: PM2

NM_017435.5(SLCO1C1):c.532T>C (p.Cys178Arg)

Gene: SLCO1C1 (solute carrier organic anion transporter family member 1C1; plus strand). Cytogenetic location: 12p12.2.
Variant type: single nucleotide variant.
Coding change: c.532T>C on transcript NM_017435.5 (MANE Select); coding-DNA position 532, T replaced by C.
Protein change: p.Cys178Arg; replaces cysteine 178 with arginine.
Molecular consequence: missense variant. On other transcripts: intron variant (1).
Genome position (GRCh38, 1-based): chr12:20,715,141, T>C. VCF-style: chr12-20715141-T-C. GRCh37 (hg19) VCF-style: chr12-20868075-T-C.
Other names: c.532T>C (NM_001145946.1); c.178T>C, p.Cys60Arg (NM_001145944.2); c.532T>C, p.Cys178Arg (NM_001145946.2); c.530-1991T>C (NM_001145945.2); short protein forms C178R, C60R.
Identifiers: ClinVar variation 3771052 (VCV003771052.14).
Genomic context (GRCh38, chr12:20,715,141, plus strand): 5'-AAATACTTAACTTTTAAAGTGATCTATTTTCAATCCTCTGGTTTGCCTTTCTTTCAAGAA[T>C]GTGAAGTGGACACTAGCTCTTCCATGTGGATTTATGTTTTCCTGGGCAATCTTCTTCGTG-3'
Protein context (NP_059131.1, residues 168-188): EKSKSKISNE[Cys178Arg]EVDTSSSMWI